The following is an entry in ClinVar:

ClinVar aggregate classification (germline): Conflicting classifications of pathogenicity. Review status: criteria provided, conflicting classifications (1 of 4 stars). 2 submissions from 2 submitters: Uncertain significance (1); Likely benign (1). Last evaluated 2023-03-12.

Conditions:
Inborn genetic diseases. Identifiers: MedGen C0950123, MeSH D030342.
Benign neonatal seizures. Also called: Benign familial neonatal seizures; Benign neonatal familial convulsions; Convulsions benign familial neonatal dominant form; Autosomal dominant form of benign neonatal seizures; Benign familial neonatal epilepsy. Identifiers: Orphanet 1949, MedGen C0220669, MONDO:0016027.

Allele frequency attached by ClinVar (database versions not stated): gnomAD exomes below 0.00001; ExAC 0.00001.
gnomAD v4.1: 1 of 1,613,334 alleles (0.000062%); highest among the groups gnomAD compares: Non-Finnish European, 0.000085%; no homozygotes.

Submissions (2):

Labcorp Genetics (formerly Invitae), Labcorp
Classification: Uncertain significance for Benign neonatal seizures. Last evaluated: 2023-03-12. Review status: criteria provided, single submitter. Criteria: Invitae Variant Classification Sherloc (09022015). Collection method: clinical testing. Allele origin: germline.
Comment: This sequence change replaces proline, which is neutral and non-polar, with alanine, which is neutral and non-polar, at codon 608 of the KCNQ3 protein (p.Pro608Ala). This variant is present in population databases (rs769487353, gnomAD 0.0009%). This variant has not been reported in the literature in individuals affected with KCNQ3-related conditions. ClinVar contains an entry for this variant (Variation ID: 1780781). Advanced modeling of protein sequence and biophysical properties (such as structural, functional, and spatial information, amino acid conservation, physicochemical variation, residue mobility, and thermodynamic stability) performed at Invitae indicates that this missense variant is not expected to disrupt KCNQ3 protein function. In summary, the available evidence is currently insufficient to determine the role of this variant in disease. Therefore, it has been classified as a Variant of Uncertain Significance.

Ambry Genetics
Classification: Likely benign for Inborn genetic diseases. Last evaluated: 2019-10-07. Review status: criteria provided, single submitter. Criteria: Ambry Variant Classification Scheme 2023. Collection method: clinical testing. Allele origin: germline.

NM_004519.4(KCNQ3):c.1822C>G (p.Pro608Ala)

Gene: KCNQ3 (potassium voltage-gated channel subfamily Q member 3; minus strand). Cytogenetic location: 8q24.22.
Variant type: single nucleotide variant.
Coding change: c.1822C>G on transcript NM_004519.4 (MANE Select); coding-DNA position 1822, C replaced by G.
Protein change: p.Pro608Ala; replaces proline 608 with alanine.
Molecular consequence: missense variant.
Genome position (GRCh38, 1-based): chr8:132,132,242, G>C on the plus strand (C>G on the coding strand, the complement: KCNQ3 is on the minus strand). VCF-style: chr8-132132242-G-C. GRCh37 (hg19) VCF-style: chr8-133144489-G-C.
Other names: c.1462C>G, p.Pro488Ala (NM_001204824.2); short protein forms P488A, P608A.
Identifiers: ClinVar variation 1780781 (VCV001780781.5), dbSNP rs769487353, ClinGen allele CA4880571.